The following is an entry in ClinVar:

ClinVar aggregate classification (germline): Conflicting classifications of pathogenicity. Review status: criteria provided, conflicting classifications (1 of 4 stars). 3 submissions from 3 submitters: Likely pathogenic (1); Uncertain significance (2). Last evaluated 2025-08-11.

Conditions:
Hereditary cancer-predisposing syndrome. Also called: Hereditary neoplastic syndrome; Tumor predisposition; Neoplastic Syndromes, Hereditary; Hereditary Cancer Syndrome. Identifiers: Orphanet 140162, MedGen C0027672, MeSH D009386, MONDO:0015356.

Allele frequency attached by ClinVar (database versions not stated): gnomAD exomes below 0.00001.
gnomAD v4.1: 1 of 1,614,008 alleles (0.000062%); highest among the groups gnomAD compares: Non-Finnish European, 0.000085%; no homozygotes.

Submissions (3):

Ambry Genetics
Classification: Uncertain significance for Hereditary cancer-predisposing syndrome. Last evaluated: 2025-08-11. Review status: criteria provided, single submitter. Criteria: Ambry Variant Classification Scheme 2023. Collection method: clinical testing. Allele origin: germline.
Comment: The c.6136+1G>T intronic variant results from a G to T substitution one nucleotide after coding exon 44 of the POLE gene. Alterations that disrupt the canonical splice site are expected to result in aberrant splicing. In silico splice site analysis predicts that this alteration will weaken the native splice donor site. A resulting transcript is predicted to be in-frame and is not expected to trigger nonsense-mediated mRNAdecay; although, direct evidence is unavailable. This nucleotide position is highly conserved in available vertebrate species. Based on the available evidence, the clinical significance of this variant remains unclear.

Labcorp Genetics (formerly Invitae), Labcorp
Classification: Likely pathogenic. Last evaluated: 2024-06-14. Review status: criteria provided, single submitter. Criteria: Invitae Variant Classification Sherloc (09022015). Collection method: clinical testing. Allele origin: germline.
Comment: This sequence change affects a donor splice site in intron 44 of the POLE gene. It is expected to disrupt RNA splicing. Variants that disrupt the donor or acceptor splice site typically lead to a loss of protein function (PMID: 16199547), and loss-of-function variants in POLE are known to be pathogenic (PMID: 23230001, 25948378, 30503519). This variant is not present in population databases (gnomAD no frequency). This variant has not been reported in the literature in individuals affected with POLE-related conditions. ClinVar contains an entry for this variant (Variation ID: 655468). Algorithms developed to predict the effect of sequence changes on RNA splicing suggest that this variant may disrupt the consensus splice site. In summary, the currently available evidence indicates that the variant is pathogenic, but additional data are needed to prove that conclusively. Therefore, this variant has been classified as Likely Pathogenic.

GeneDx
Classification: Uncertain significance. Last evaluated: 2021-05-14. Review status: criteria provided, single submitter. Criteria: GeneDx Variant Classification Process June 2021. Collection method: clinical testing. Allele origin: germline. Affected: yes.
Comment: Not observed in large population cohorts (Lek 2016); Canonical splice site variant with an unclear effect on protein function; Has not been previously published as pathogenic or benign to our knowledge

Literature cited by the submitters: PubMed 16199547 (cited by Labcorp Genetics (formerly Invitae), Labcorp); PubMed 23230001 (cited by Labcorp Genetics (formerly Invitae), Labcorp); PubMed 25948378 (cited by Labcorp Genetics (formerly Invitae), Labcorp); PubMed 30503519 (cited by Labcorp Genetics (formerly Invitae), Labcorp).

NM_006231.4(POLE):c.6136+1G>T

Gene: POLE (DNA polymerase epsilon, catalytic subunit; minus strand). Cytogenetic location: 12q24.33.
Variant type: single nucleotide variant.
Coding change: c.6136+1G>T on transcript NM_006231.4 (MANE Select); the canonical splice donor site of the intron after coding-DNA position 6136, G replaced by T.
Molecular consequence: splice donor variant.
Genome position (GRCh38, 1-based): chr12:132,632,663, C>A on the plus strand (G>T on the coding strand, the complement: POLE is on the minus strand). VCF-style: chr12-132632663-C-A. GRCh37 (hg19) VCF-style: chr12-133209249-C-A.
Other names: c.6136+1G>T (NM_006231.2).
Identifiers: ClinVar variation 655468 (VCV000655468.11), dbSNP rs1593708662, ClinGen allele CA387370175.
Genomic context (GRCh38, chr12:132,632,663, plus strand): 5'-ACACAGAGGAGTTAGGTCACTGGCACATGGCAGTGGCCTCAAAAGACAAAAGACTGCTCA[C>A]CGGGAAGGGCTCCGACCGCCCCCTCGGCCTCCTGGGAGAGCTGGCTGGCCCCCCTCCTCC-3'